The following is an entry in ClinVar:

ClinVar aggregate classification (germline): Likely pathogenic. Review status: criteria provided, multiple submitters, no conflicts (2 of 4 stars). 4 submissions from 4 submitters: Likely pathogenic (3). 1 of the submissions does not count toward it. Last evaluated 2025-04-10.

Conditions:
Primary hyperoxaluria type 3. Also called: PH III. Identifiers: Orphanet 416, Orphanet 93600, MedGen C3150878, MONDO:0013327, OMIM 613616. Disease mechanism: loss of function.
HOGA1-related disorders.

Allele frequency attached by ClinVar (database versions not stated): gnomAD 0.00001; TOPMed 0.00001; ExAC 0.00002; gnomAD exomes 0.00003.
gnomAD v4.1: 23 of 1,614,056 alleles (0.0014%); highest among the groups gnomAD compares: East Asian, 0.016%; no homozygotes.

Submissions (4):

Natera, Inc.
Classification: Likely pathogenic for Primary hyperoxaluria type III. Last evaluated: 2025-04-10. Review status: criteria provided, single submitter. Criteria: Natera Variant Classification Schema (03/2026). Collection method: clinical testing. Allele origin: germline.
Comment: The c.841C>T variant in HOGA1 is a missense variant predicted to cause substitution of arginine to tryptophan at amino acid 281. This variant is rare in the general population with a frequency below the threshold expected for the associated phenotype(s). This variant has been observed in one or more individuals affected with the associated recessive disease, as either homozygous or compound heterozygous with a second variant (PMID: 35149915). This variant has been identified in one or more affected individuals with a phenotype highly consistent with the associated gene (PMID: 35149915). Computational prediction algorithms indicate this variant is likely to affect gene or protein function. Given the available evidence, this variant is classified as Likely Pathogenic.

Labcorp Genetics (formerly Invitae), Labcorp
Classification: Likely pathogenic. Last evaluated: 2024-02-19. Review status: criteria provided, single submitter. Criteria: Invitae Variant Classification Sherloc (09022015). Collection method: clinical testing. Allele origin: germline.
Comment: This sequence change replaces arginine, which is basic and polar, with tryptophan, which is neutral and slightly polar, at codon 281 of the HOGA1 protein (p.Arg281Trp). This variant is present in population databases (rs764224799, gnomAD 0.02%). This missense change has been observed in individual(s) with primary hyperoxaluria type 3 (PMID: 31123811, 35149915). ClinVar contains an entry for this variant (Variation ID: 1511254). Advanced modeling of protein sequence and biophysical properties (such as structural, functional, and spatial information, amino acid conservation, physicochemical variation, residue mobility, and thermodynamic stability) has been performed at Invitae for this missense variant, however the output from this modeling did not meet the statistical confidence thresholds required to predict the impact of this variant on HOGA1 protein function. In summary, the currently available evidence indicates that the variant is pathogenic, but additional data are needed to prove that conclusively. Therefore, this variant has been classified as Likely Pathogenic.

Blueprint Genetics
Classification: Likely pathogenic for HOGA1-related disorders. Last evaluated: 2023-10-05. Review status: criteria provided, single submitter. Criteria: ACMG Guidelines, 2015. Collection method: clinical testing. Allele origin: de novo. Affected: yes. Observed: 2 variant alleles.

Chinese Inherited Urolithiasis Consortium, The Affiliated Yantai Yuhuangding Hospital of Qingdao University
Classification: Likely pathogenic for Primary hyperoxaluria type 3. Last evaluated: 2024-08-26. Review status: no assertion criteria provided. Collection method: clinical testing. Allele origin: maternal. Affected: yes. Observed: 1 variant allele. Not counted in ClinVar's aggregate classification.

Literature cited by the submitters: PubMed 35149915 (cited by Natera, Inc. and Labcorp Genetics (formerly Invitae), Labcorp); PubMed 31123811 (cited by Labcorp Genetics (formerly Invitae), Labcorp).

NM_138413.4(HOGA1):c.841C>T (p.Arg281Trp)

Gene: HOGA1 (4-hydroxy-2-oxoglutarate aldolase 1; plus strand). Cytogenetic location: 10q24.2.
Variant type: single nucleotide variant.
Coding change: c.841C>T on transcript NM_138413.4 (MANE Select); coding-DNA position 841, C replaced by T.
Protein change: p.Arg281Trp; replaces arginine 281 with tryptophan.
Molecular consequence: missense variant.
Genome position (GRCh38, 1-based): chr10:97,611,516, C>T. VCF-style: chr10-97611516-C-T. GRCh37 (hg19) VCF-style: chr10-99371273-C-T.
Other names: c.352C>T, p.Arg118Trp (NM_001134670.2); c.841C>T (NM_138413.3); short protein forms R118W, R281W.
Identifiers: ClinVar variation 1511254 (VCV001511254.10), dbSNP rs764224799, ClinGen allele CA5634292.